The following is an entry in ClinVar:

ClinVar aggregate classification (germline): Likely benign. Review status: reviewed by expert panel (3 of 4 stars). 8 submissions from 8 submitters: Likely benign (1). 7 of the submissions do not count toward it. Last evaluated 2020-04-10.

Conditions:
Hereditary thrombocytopenia and hematologic cancer predisposition syndrome. Identifiers: Orphanet 71290, MedGen CN281654, MONDO:0011071.
RUNX1-related disorder. Also called: RUNX1-related condition.
Inborn genetic diseases. Identifiers: MedGen C0950123, MeSH D030342.
Hereditary cancer-predisposing syndrome. Also called: Neoplastic Syndromes, Hereditary; Hereditary neoplastic syndrome; Hereditary Cancer Syndrome; Tumor predisposition. Identifiers: Orphanet 140162, MedGen C0027672, MeSH D009386, MONDO:0015356.
Hereditary thrombocytopenia and hematological cancer predisposition syndrome associated with RUNX1. Also called: PLATELET DISORDER, ASPIRIN-LIKE; Familial Platelet Disorder with Propensity to Acute Myelogenous Leukemia; RUNX1 Familial Platelet Disorder with Associated Myeloid Malignancies; Familial thrombocytopenia with propensity to acute myelogenous leukemia. Identifiers: Orphanet 71290, MedGen C1832388, MeSH C563324, MONDO:0100083, OMIM 601399.

Allele frequency attached by ClinVar (database versions not stated): gnomAD 0.00004 and 0.00005; gnomAD exomes 0.00004; TOPMed 0.00005; 1000 Genomes Project 30x 0.00016; 1000 Genomes Project 0.00020.
gnomAD v4.1: 73 of 1,613,954 alleles (0.0045%); highest among the groups gnomAD compares: Middle Eastern, 0.016%; no homozygotes.

Submissions (8):

ClinGen Myeloid Malignancy Variant Curation Expert Panel
Classification: Likely benign for Hereditary thrombocytopenia and hematologic cancer predisposition syndrome. Last evaluated: 2020-04-10. Review status: reviewed by expert panel. Criteria: ClinGen MyeloMalig ACMG Specifications v1. Collection method: curation. Allele origin: germline. Inheritance: Autosomal dominant inheritance.
Comment: This synonymous variant is predicted by SSF and MES to lead to either an increase in the canonical splice site score or a decrease of the canonical splice site score by no more than 10% and no putative cryptic splice sites are created. In addition, evolutionary conservation prediction algorithms predict the site as not being highly conserved (PhyloP score: -1.41 < 0.1 [-14.1;6.4]) (BP4+BP7). In summary, this variant meets criteria to be classified as likely benign. ACMG/AMP criteria applied, as specified by the ClinGen Myeloid Malignancy Variant Curation Expert Panel for RUNX1: BP4 and BP7.

Labcorp Genetics (formerly Invitae), Labcorp
Classification: Likely benign for Hereditary thrombocytopenia and hematological cancer predisposition syndrome associated with RUNX1. Last evaluated: 2025-12-12. Review status: criteria provided, single submitter. Criteria: Invitae Variant Classification Sherloc (09022015). Collection method: clinical testing. Allele origin: germline. Not counted in ClinVar's aggregate classification.

Women's Health and Genetics/Laboratory Corporation of America, LabCorp
Classification: Likely benign. Last evaluated: 2025-03-10. Review status: criteria provided, single submitter. Criteria: LabCorp Variant Classification Summary - May 2015. Collection method: clinical testing. Allele origin: germline. Not counted in ClinVar's aggregate classification.

KCCC/NGS Laboratory, Kuwait Cancer Control Center
Classification: Benign for Hereditary thrombocytopenia and hematological cancer predisposition syndrome associated with RUNX1. Last evaluated: 2025-02-01. Review status: criteria provided, single submitter. Criteria: ACMG Guidelines, 2015. Collection method: clinical testing. Allele origin: germline. Affected: no. Not counted in ClinVar's aggregate classification.

Ambry Genetics
Classification: Likely benign for Inborn genetic diseases. Last evaluated: 2024-11-21. Review status: criteria provided, single submitter. Criteria: Ambry Variant Classification Scheme 2023. Collection method: clinical testing. Allele origin: germline. Not counted in ClinVar's aggregate classification.

PreventionGenetics, part of Exact Sciences
Classification: Likely benign for RUNX1-related condition. Last evaluated: 2024-11-21. Review status: criteria provided, single submitter. Criteria: ACMG Guidelines, 2015. Collection method: clinical testing. Allele origin: germline. Not counted in ClinVar's aggregate classification.
Comment: This variant is classified as likely benign based on ACMG/AMP sequence variant interpretation guidelines (Richards et al. 2015 PMID: 25741868, with internal and published modifications).

Blueprint Genetics
Classification: Likely benign. Last evaluated: 2024-08-19. Review status: criteria provided, single submitter. Criteria: ACMG Guidelines, 2015. Collection method: clinical testing. Allele origin: germline. Not counted in ClinVar's aggregate classification.

Sema4
Classification: Likely benign for Hereditary cancer-predisposing syndrome. Last evaluated: 2021-12-16. Review status: criteria provided, single submitter. Criteria: Sema4 Curation Guidelines. Collection method: curation. Allele origin: germline. Not counted in ClinVar's aggregate classification.

Literature cited by the submitters: PubMed 27288520 (cited by Women's Health and Genetics/Laboratory Corporation of America, LabCorp); PubMed 17910630 (cited by Women's Health and Genetics/Laboratory Corporation of America, LabCorp); PubMed 21343560 (cited by Women's Health and Genetics/Laboratory Corporation of America, LabCorp); PubMed 27137476 (cited by Women's Health and Genetics/Laboratory Corporation of America, LabCorp); PubMed 21828118 (cited by Women's Health and Genetics/Laboratory Corporation of America, LabCorp); PubMed 19334039 (cited by Women's Health and Genetics/Laboratory Corporation of America, LabCorp); PubMed 22753902 (cited by Women's Health and Genetics/Laboratory Corporation of America, LabCorp); PubMed 21148331 (cited by Women's Health and Genetics/Laboratory Corporation of America, LabCorp); PubMed 19808697 (cited by Women's Health and Genetics/Laboratory Corporation of America, LabCorp); PubMed 22318203 (cited by Women's Health and Genetics/Laboratory Corporation of America, LabCorp); PubMed 30333627 (cited by Women's Health and Genetics/Laboratory Corporation of America, LabCorp); PubMed 27895058 (cited by Women's Health and Genetics/Laboratory Corporation of America, LabCorp); PubMed 22689681 (cited by Women's Health and Genetics/Laboratory Corporation of America, LabCorp); PubMed 27276561 (cited by Women's Health and Genetics/Laboratory Corporation of America, LabCorp).

NM_001754.5(RUNX1):c.36G>A (p.Ser12=)

Gene: RUNX1 (RUNX family transcription factor 1; minus strand). Cytogenetic location: 21q22.12.
Variant type: single nucleotide variant.
Coding change: c.36G>A on transcript NM_001754.5 (MANE Select); coding-DNA position 36, G replaced by A.
Protein change: p.Ser12=; no amino-acid change (serine 12 retained).
Molecular consequence: synonymous variant.
Genome position (GRCh38, 1-based): chr21:35,048,864, C>T on the plus strand (G>A on the coding strand, the complement: RUNX1 is on the minus strand). VCF-style: chr21-35048864-C-T. GRCh37 (hg19) VCF-style: chr21-36421161-C-T.
Other names: c.36G>A (NM_001754.4).
Identifiers: ClinVar variation 239048 (VCV000239048.19), dbSNP rs201490575, ClinGen allele CA10014727.